The following is an entry in ClinVar:

ClinVar aggregate classification (germline): Uncertain significance (1 of 4 stars; one submission).

Conditions:
Emery-Dreifuss muscular dystrophy 5, autosomal dominant (EDMD5). Also called: EMERY-DREIFUSS MUSCULAR DYSTROPHY 5. Identifiers: Orphanet 261, MedGen C2751805, MONDO:0013072, OMIM 612999.

Allele frequency attached by ClinVar (database versions not stated): ExAC 0.00002; gnomAD exomes 0.00002.
gnomAD v4.1: 7 of 1,610,824 alleles (0.00043%); highest among the groups gnomAD compares: Admixed American, 0.012%; 1 homozygote.

Submission:

Labcorp Genetics (formerly Invitae), Labcorp
Classification: Uncertain significance for Emery-Dreifuss muscular dystrophy 5, autosomal dominant. Last evaluated: 2022-06-28. Review status: criteria provided, single submitter. Criteria: Invitae Variant Classification Sherloc (09022015). Collection method: clinical testing. Allele origin: germline.
Comment: In summary, the available evidence is currently insufficient to determine the role of this variant in disease. Therefore, it has been classified as a Variant of Uncertain Significance. This sequence change replaces isoleucine, which is neutral and non-polar, with threonine, which is neutral and polar, at codon 111 of the SYNE2 protein (p.Ile111Thr). This variant is present in population databases (rs771063078, gnomAD 0.01%). This variant has not been reported in the literature in individuals affected with SYNE2-related conditions. Algorithms developed to predict the effect of missense changes on protein structure and function are either unavailable or do not agree on the potential impact of this missense change (SIFT: "Tolerated"; PolyPhen-2: "Possibly Damaging"; Align-GVGD: "Class C0").

NM_182914.3(SYNE2):c.332T>C (p.Ile111Thr)

Gene: SYNE2 (spectrin repeat containing nuclear envelope protein 2; plus strand). Cytogenetic location: 14q23.2.
Variant type: single nucleotide variant.
Coding change: c.332T>C on transcript NM_182914.3 (MANE Select); coding-DNA position 332, T replaced by C.
Protein change: p.Ile111Thr; replaces isoleucine 111 with threonine.
Molecular consequence: missense variant.
Genome position (GRCh38, 1-based): chr14:63,942,067, T>C. VCF-style: chr14-63942067-T-C. GRCh37 (hg19) VCF-style: chr14-64408785-T-C.
Other names: c.332T>C, p.Ile111Thr (NM_015180.6); short protein forms I111T.
Identifiers: ClinVar variation 1497299 (VCV001497299.6), dbSNP rs771063078, ClinGen allele CA7219083.